The following is an entry in ClinVar:

NM_001267550.2(TTN):c.87616G>T (p.Glu29206Ter)

Genes: TTN (titin; minus strand), TTN-AS1 (TTN antisense RNA 1; plus strand). Cytogenetic location: 2q31.2.
Variant type: single nucleotide variant.
Coding change: c.87616G>T on transcript NM_001267550.2 (MANE Select); coding-DNA position 87616, G replaced by T.
Protein change: p.Glu29206Ter; replaces glutamic acid 29206 with a stop codon.
Molecular consequence: nonsense.
Genome position (GRCh38, 1-based): chr2:178,557,738, C>A on the plus strand (G>T on the coding strand, the complement: TTN is on the minus strand). VCF-style: chr2-178557738-C-A. GRCh37 (hg19) VCF-style: chr2-179422465-C-A.
Other names: c.82693G>T, p.Glu27565Ter (NM_001256850.1); c.60421G>T, p.Glu20141Ter (NM_003319.4); c.79912G>T, p.Glu26638Ter (NM_133378.4); c.60796G>T, p.Glu20266Ter (NM_133432.3); c.60997G>T, p.Glu20333Ter (NM_133437.4); short protein forms E20141*, E20266*, E20333*, E26638*, E27565*, E29206*.
Identifiers: ClinVar variation 811222 (VCV000811222.8), dbSNP rs1364550008, ClinGen allele CA349535232.

ClinVar aggregate classification (germline): Likely pathogenic (1 of 4 stars; one submission).

Allele frequency attached by ClinVar (database versions not stated): gnomAD exomes below 0.00001.
gnomAD v4.1: 1 of 1,613,962 alleles (0.000062%); highest among the groups gnomAD compares: Non-Finnish European, 0.000085%; no homozygotes.

Submission:

ARUP Laboratories, Molecular Genetics and Genomics, ARUP Laboratories
Classification: Likely pathogenic. Last evaluated: 2018-12-19. Review status: criteria provided, single submitter. Criteria: ARUP Molecular Germline Variant Investigation Process. Collection method: clinical testing. Allele origin: germline.
Comment: The TTN c.79912G>T; p.Glu26638Ter variant, to our knowledge, is not reported in the medical literature or gene specific databases. This variant is only observed on one allele in the Genome Aggregation Database, indicating it is not a common polymorphism. This variant induces an early termination codon in the A-band and is predicted to result in a truncated protein or mRNA subject to nonsense-mediated decay. Truncating variants in the A-band are associated with an at risk clinical impact for dilated cardiomyopathy (DCM) (Schafer 2017). Based on available information, the p.Glu26638Ter variant is considered to be likely pathogenic. References: Schafer S et al. Titin-truncating variants affect heart function in disease cohorts and the general population. Nat Genet. 2017 Jan;49(1):46-53.